The following is an entry in ClinVar:

NM_002474.3(MYH11):c.-67C>T

Gene: MYH11 (myosin heavy chain 11; minus strand). Cytogenetic location: 16p13.11.
Variant type: single nucleotide variant.
Coding change: c.-67C>T on transcript NM_002474.3 (MANE Select); 67 bases upstream of the start codon, C replaced by T.
Molecular consequence: 5 prime UTR variant.
Genome position (GRCh38, 1-based): chr16:15,856,990, G>A on the plus strand (C>T on the coding strand, the complement: MYH11 is on the minus strand). VCF-style: chr16-15856990-G-A. GRCh37 (hg19) VCF-style: chr16-15950847-G-A.
Other names: c.-67C>T (NM_001040113.2, NM_001040114.2, NM_022844.3).
Identifiers: ClinVar variation 318179 (VCV000318179.5), dbSNP rs370680984, ClinGen allele CA10647107.

ClinVar aggregate classification (germline): Likely benign (1 of 4 stars; one submission).

Conditions:
Aortic aneurysm, familial thoracic 4 (AAT4). Also called: AORTIC ANEURYSM/AORTIC DISSECTION AND PATENT DUCTUS ARTERIOSUS. Identifiers: MedGen C1851504, MONDO:0007568, OMIM 132900.

Allele frequency attached by ClinVar (database versions not stated): TOPMed 0.00031; gnomAD 0.00036 and 0.00048; 1000 Genomes Project 0.00240; 1000 Genomes Project 30x 0.00281.

Submission:

Illumina Laboratory Services, Illumina
Classification: Likely benign for Aortic aneurysm, familial thoracic 4. Last evaluated: 2018-01-13. Review status: criteria provided, single submitter. Criteria: ICSL Variant Classification Criteria 13 December 2019. Collection method: clinical testing. Allele origin: germline.
Comment: This variant was observed in the ICSL laboratory as part of a predisposition screen in an ostensibly healthy population. It had not been previously curated by ICSL or reported in the Human Gene Mutation Database (HGMD: prior to June 1st, 2018), and was therefore a candidate for classification through an automated scoring system. Utilizing variant allele frequency, disease prevalence and penetrance estimates, and inheritance mode, an automated score was calculated to assess if this variant is too frequent to cause the disease. Based on the score and internal cut-off values, a variant classified as likely benign is not then subjected to further curation. The score for this variant resulted in a classification of likely benign for this disease.